The following is an entry in ClinVar:

ClinVar aggregate classification (germline): Likely pathogenic. Review status: reviewed by expert panel (3 of 4 stars). 2 submissions from 2 submitters: Likely pathogenic (1). 1 of the submissions does not count toward it. Last evaluated 2026-09-21.

Conditions:
Monogenic diabetes. Identifiers: Orphanet 183625, MedGen C3888631, MONDO:0015967.
Maturity-onset diabetes of the young type 3. Also called: MODY, type III; MODY type 3. Identifiers: Orphanet 552, MedGen C1838100, MeSH C563933, MONDO:0010894, OMIM 600496. Disease mechanism: loss of function.

Submissions (2):

ClinGen Monogenic Diabetes Variant Curation Expert Panel
Classification: Likely pathogenic for Monogenic diabetes. Last evaluated: 2026-09-21. Review status: reviewed by expert panel. Criteria: ClinGen Diabetes ACMG Specifications HNF1A V3.1.0. Collection method: curation. Allele origin: germline. Inheritance: Autosomal dominant inheritance.
Comment: The c.876del variant in the HNF1 homeobox A gene, HNF1A, causes a frameshift in the protein at codon 293 (NM_000545.8), adding an undetermined number of novel amino acids before encountering a stop codon (p.Pro293GlnfsTer?). This variant, located in biologically-relevant exon 4 of 10, is predicted to lead to nonsense mediated decay in a gene in which loss-of-function is an established disease mechanism (PVS1; PMID: 23348805). This variant is absent from gnomAD v4.1.1 (PM2_Supporting). This variant was identified in two unrelated individuals with non-autoimmune and non-absolute/near-absolute insulin-deficient diabetes; however, PS4_Moderate cannot be applied because this number is below the ClinGen MDEP threshold and PP4 cannot be applied due to insufficient clinical information (PMID: 9097962, 36257325). In summary, c.876del meets the criteria to be classified as likely pathogenic for monogenic diabetes. ACMG/AMP criteria applied, as specified by the ClinGen MDEP (specification version 3.1.0, approved 10/10/2025): PVS1, PM2_Supporting.

OMIM
Classification: Pathogenic for MATURITY-ONSET DIABETES OF THE YOUNG, TYPE 3. Last evaluated: 1997-04-01. Review status: no assertion criteria provided. Collection method: literature only. Allele origin: germline. Not counted in ClinVar's aggregate classification.

Literature cited by the submitters: PubMed 9097962 (cited by ClinGen Monogenic Diabetes Variant Curation Expert Panel and OMIM); PubMed 36257325 (cited by ClinGen Monogenic Diabetes Variant Curation Expert Panel).

NM_000545.8(HNF1A):c.876del (p.Pro293fs)

Gene: HNF1A (HNF1 homeobox A; plus strand). Cytogenetic location: 12q24.31.
Variant type: Deletion.
Coding change: c.876del on transcript NM_000545.8 (MANE Select); coding-DNA position 876, one base deleted (G; older notation c.876delG).
Protein change: p.Pro293fs; shifts the reading frame from proline 293.
Molecular consequence: frameshift variant.
Genome position (GRCh38, 1-based): chr12:120,994,326, G deleted; the last of 3 consecutive G bases (chr12:120,994,324-120,994,326); deleting any one gives the same sequence. VCF-style (leftmost placement, unchanged base first): chr12-120994323-AG-A. GRCh37 (hg19) VCF-style: chr12-121432126-AG-A.
Other names: NM_000545.8(HNF1A):c.876del; p.Pro293fs; c.876del, p.Pro293fs (NM_001306179.2); short protein forms P293fs.
Identifiers: ClinVar variation 14929 (VCV000014929.2), dbSNP rs2135842335, ClinGen allele CA2499221469.